The following is an entry in ClinVar:

ClinVar aggregate classification (germline): Uncertain significance. Review status: criteria provided, multiple submitters, no conflicts (2 of 4 stars). 3 submissions from 3 submitters: Uncertain significance (3). Last evaluated 2026-09-30.

Conditions:
Inborn genetic diseases. Identifiers: MedGen C0950123, MeSH D030342.

Allele frequency attached by ClinVar (database versions not stated): ExAC 0.00006; TOPMed 0.00013; ESP Exome Variant Server 0.00015; gnomAD exomes 0.00001; gnomAD 0.00015.

Submissions (3):

GeneDx
Classification: Uncertain significance. Last evaluated: 2026-09-30. Review status: criteria provided, single submitter. Criteria: GeneDx Variant Classification Process June 2021. Collection method: clinical testing. Allele origin: germline.
Comment: Has not been previously published as pathogenic or benign to our knowledge; In silico analysis supports that this missense variant has a deleterious effect on protein structure/function

Ambry Genetics
Classification: Uncertain significance for Inborn genetic diseases. Last evaluated: 2022-07-26. Review status: criteria provided, single submitter. Criteria: Ambry Variant Classification Scheme 2023. Collection method: clinical testing. Allele origin: germline.

Labcorp Genetics (formerly Invitae), Labcorp
Classification: Uncertain significance. Last evaluated: 2022-03-19. Review status: criteria provided, single submitter. Criteria: Invitae Variant Classification Sherloc (09022015). Collection method: clinical testing. Allele origin: germline.
Comment: This sequence change replaces leucine, which is neutral and non-polar, with valine, which is neutral and non-polar, at codon 129 of the PNPT1 protein (p.Leu129Val). This variant is present in population databases (rs147272640, gnomAD 0.09%). This variant has not been reported in the literature in individuals affected with PNPT1-related conditions. Advanced modeling of protein sequence and biophysical properties (such as structural, functional, and spatial information, amino acid conservation, physicochemical variation, residue mobility, and thermodynamic stability) performed at Invitae indicates that this missense variant is expected to disrupt PNPT1 protein function. In summary, the available evidence is currently insufficient to determine the role of this variant in disease. Therefore, it has been classified as a Variant of Uncertain Significance.

NM_033109.5(PNPT1):c.385C>G (p.Leu129Val)

Gene: PNPT1 (polyribonucleotide nucleotidyltransferase 1; minus strand). Cytogenetic location: 2p16.1.
Variant type: single nucleotide variant.
Coding change: c.385C>G on transcript NM_033109.5 (MANE Select); coding-DNA position 385, C replaced by G.
Protein change: p.Leu129Val; replaces leucine 129 with valine.
Molecular consequence: missense variant.
Genome position (GRCh38, 1-based): chr2:55,684,961, G>C on the plus strand (C>G on the coding strand, the complement: PNPT1 is on the minus strand). VCF-style: chr2-55684961-G-C. GRCh37 (hg19) VCF-style: chr2-55912096-G-C.
Other names: c.385C>G (NM_033109.3); short protein forms L129V.
Identifiers: ClinVar variation 1722847 (VCV001722847.7), dbSNP rs147272640, ClinGen allele CA1668526.
Genomic context (GRCh38, chr2:55,684,961, plus strand): 5'-GGCATACCAGAGAAGATGAACGCCTCTATGTTAATATCTTACCTATTATTCGACTTGTTA[G>C]AATTTCTTTATCAGAAGTACCAATCTCTCTTCTCAGATAGTTTGTGGGAATTCTACCTGC-3'
Protein context (NP_149100.2, residues 119-139): REIGTSDKEI[Leu129Val]TSRIIDRSIR